The following is an entry in ClinVar:

ClinVar aggregate classification (germline): Uncertain significance. Review status: criteria provided, multiple submitters, no conflicts (2 of 4 stars). 3 submissions from 3 submitters: Uncertain significance (3). Last evaluated 2024-08-19.

Conditions:
Hereditary nonpolyposis colorectal neoplasms. Identifiers: MedGen C0009405, MeSH D003123.
Hereditary cancer-predisposing syndrome. Also called: Hereditary Cancer Syndrome; Hereditary neoplastic syndrome; Neoplastic Syndromes, Hereditary; Tumor predisposition. Identifiers: Orphanet 140162, MedGen C0027672, MeSH D009386, MONDO:0015356.

gnomAD v4.1: 2 of 1,614,110 alleles (0.00012%); highest among the groups gnomAD compares: Non-Finnish European, 0.00017%; no homozygotes.

Submissions (3):

Color Diagnostics, LLC DBA Color Health
Classification: Uncertain significance for Hereditary cancer-predisposing syndrome. Last evaluated: 2024-08-19. Review status: criteria provided, single submitter. Criteria: ACMG Guidelines, 2015. Collection method: clinical testing. Allele origin: germline.
Comment: This missense variant replaces serine with phenylalanine at codon 550 of the MSH6 protein. Computational prediction is inconclusive regarding the impact of this variant on protein structure and function (internally defined REVEL score threshold 0.5 < inconclusive < 0.7, PMID: 27666373). To our knowledge, functional studies have not been reported for this variant. This variant has not been reported in individuals affected with MSH6-related disorders in the literature. This variant has not been identified in the general population by the Genome Aggregation Database (gnomAD). The available evidence is insufficient to determine the role of this variant in disease conclusively. Therefore, this variant is classified as a Variant of Uncertain Significance.

Ambry Genetics
Classification: Uncertain significance for Hereditary cancer-predisposing syndrome. Last evaluated: 2023-04-04. Review status: criteria provided, single submitter. Criteria: Ambry Variant Classification Scheme 2023. Collection method: clinical testing. Allele origin: germline.
Comment: The p.S550F variant (also known as c.1649C>T), located in coding exon 4 of the MSH6 gene, results from a C to T substitution at nucleotide position 1649. The serine at codon 550 is replaced by phenylalanine, an amino acid with highly dissimilar properties. This amino acid position is not well conserved in available vertebrate species. In addition, the in silico prediction for this alteration is inconclusive. Since supporting evidence is limited at this time, the clinical significance of this alteration remains unclear.

Labcorp Genetics (formerly Invitae), Labcorp
Classification: Uncertain significance for Hereditary nonpolyposis colorectal neoplasms. Last evaluated: 2020-07-24. Review status: criteria provided, single submitter. Criteria: Invitae Variant Classification Sherloc (09022015). Collection method: clinical testing. Allele origin: germline.
Comment: In summary, this variant is a novel missense change with uncertain impact on protein function. It has been classified as a Variant of Uncertain Significance. Algorithms developed to predict the effect of missense changes on protein structure and function do not agree on the potential impact of this missense change (SIFT: "Deleterious"; PolyPhen-2: "Probably Damaging"; Align-GVGD: "Class C15"). This variant is not present in population databases (ExAC no frequency) and has not been reported in the literature in individuals with a MSH6-related disease. This sequence change replaces serine with phenylalanine at codon 550 of the MSH6 protein (p.Ser550Phe). The serine residue is moderately conserved and there is a large physicochemical difference between serine and phenylalanine.

NM_000179.3(MSH6):c.1649C>T (p.Ser550Phe)

Gene: MSH6 (mutS homolog 6; plus strand). Cytogenetic location: 2p16.3.
Variant type: single nucleotide variant.
Coding change: c.1649C>T on transcript NM_000179.3 (MANE Select); coding-DNA position 1649, C replaced by T.
Protein change: p.Ser550Phe; replaces serine 550 with phenylalanine.
Molecular consequence: missense variant.
Genome position (GRCh38, 1-based): chr2:47,799,632, C>T. VCF-style: chr2-47799632-C-T. GRCh37 (hg19) VCF-style: chr2-48026771-C-T.
Other names: c.1259C>T, p.Ser420Phe (NM_001281492.2); c.743C>T, p.Ser248Phe (NM_001281493.2, NM_001281494.2); short protein forms S550F, S420F, S248F.
Identifiers: ClinVar variation 455148 (VCV000455148.12), dbSNP rs878853710, ClinGen allele CA346747272.